The following is an entry in ClinVar:

ClinVar aggregate classification (germline): Uncertain significance (1 of 4 stars; one submission).

Allele frequency attached by ClinVar (database versions not stated): TOPMed below 0.00001; gnomAD 0.00001.
gnomAD v4.1: 4 of 1,613,402 alleles (0.00025%); highest among the groups gnomAD compares: Non-Finnish European, 0.00034%; no homozygotes.

Submission:

Labcorp Genetics (formerly Invitae), Labcorp
Classification: Uncertain significance. Last evaluated: 2023-08-19. Review status: criteria provided, single submitter. Criteria: Invitae Variant Classification Sherloc (09022015). Collection method: clinical testing. Allele origin: germline.
Comment: In summary, the available evidence is currently insufficient to determine the role of this variant in disease. Therefore, it has been classified as a Variant of Uncertain Significance. Advanced modeling of protein sequence and biophysical properties (such as structural, functional, and spatial information, amino acid conservation, physicochemical variation, residue mobility, and thermodynamic stability) performed at Invitae indicates that this missense variant is not expected to disrupt RDH5 protein function. ClinVar contains an entry for this variant (Variation ID: 2416483). This variant has not been reported in the literature in individuals affected with RDH5-related conditions. This variant is present in population databases (no rsID available, gnomAD 0.007%). This sequence change replaces aspartic acid, which is acidic and polar, with tyrosine, which is neutral and polar, at codon 303 of the RDH5 protein (p.Asp303Tyr).

NM_002905.5(RDH5):c.907G>T (p.Asp303Tyr)

Genes: BLOC1S1-RDH5 (BLOC1S1-RDH5 readthrough; plus strand), CD63 (CD63 molecule; minus strand), RDH5 (retinol dehydrogenase 5; plus strand). Cytogenetic location: 12q13.2.
Variant type: single nucleotide variant.
Coding change: c.907G>T on transcript NM_002905.5 (MANE Select); coding-DNA position 907, G replaced by T.
Protein change: p.Asp303Tyr; replaces aspartic acid 303 with tyrosine.
Molecular consequence: missense variant. On other transcripts: non-coding transcript variant (1), 3 prime UTR variant (2).
Genome position (GRCh38, 1-based): chr12:55,724,495, G>T. VCF-style: chr12-55724495-G-T. GRCh37 (hg19) VCF-style: chr12-56118279-G-T.
Other names: c.907G>T, p.Asp303Tyr (NM_001199771.3); c.*569C>A (NM_001413284.1); c.*584C>A (NM_001413285.1); short protein forms D303Y.
Identifiers: ClinVar variation 2416483 (VCV002416483.42), dbSNP rs1302759306, ClinGen allele CA385203852.